The following is an entry in ClinVar:

NM_016284.5(CNOT1):c.4024G>A (p.Ala1342Thr)

Gene: CNOT1 (CCR4-NOT transcription complex subunit 1; minus strand). Cytogenetic location: 16q21.
Variant type: single nucleotide variant.
Coding change: c.4024G>A on transcript NM_016284.5 (MANE Select); coding-DNA position 4024, G replaced by A.
Protein change: p.Ala1342Thr; replaces alanine 1342 with threonine.
Molecular consequence: missense variant. On other transcripts: non-coding transcript variant (1).
Genome position (GRCh38, 1-based): chr16:58,545,474, C>T on the plus strand (G>A on the coding strand, the complement: CNOT1 is on the minus strand). VCF-style: chr16-58545474-C-T. GRCh37 (hg19) VCF-style: chr16-58579378-C-T.
Other names: c.4009G>A, p.Ala1337Thr (NM_001265612.2); c.4024G>A, p.Ala1342Thr (NM_206999.3); short protein forms A1342T, A1337T.
Identifiers: ClinVar variation 2788814 (VCV002788814.3), dbSNP rs199650674, ClinGen allele CA8089250.

ClinVar aggregate classification (germline): Uncertain significance (1 of 4 stars; one submission).

Allele frequency attached by ClinVar (database versions not stated): ExAC 0.00002.
gnomAD v4.1: 1 of 1,613,930 alleles (0.000062%); highest among the groups gnomAD compares: East Asian, 0.0022%; no homozygotes.

Submission:

Labcorp Genetics (formerly Invitae), Labcorp
Classification: Uncertain significance. Last evaluated: 2023-04-15. Review status: criteria provided, single submitter. Criteria: Invitae Variant Classification Sherloc (09022015). Collection method: clinical testing. Allele origin: germline.
Comment: This sequence change replaces alanine, which is neutral and non-polar, with threonine, which is neutral and polar, at codon 1337 of the CNOT1 protein (p.Ala1337Thr). This variant is present in population databases (rs199650674, gnomAD 0.006%). This variant has not been reported in the literature in individuals affected with CNOT1-related conditions. In summary, the available evidence is currently insufficient to determine the role of this variant in disease. Therefore, it has been classified as a Variant of Uncertain Significance. Algorithms developed to predict the effect of sequence changes on RNA splicing suggest that this variant may disrupt the consensus splice site. An algorithm developed to predict the effect of missense changes on protein structure and function (PolyPhen-2) suggests that this variant is likely to be tolerated.